The following is an entry in ClinVar:

NM_001135649.3(FOXI3):c.886_891del (p.Ser296_Thr297del)

Gene: FOXI3 (forkhead box I3; minus strand). Cytogenetic location: 2p11.2.
Variant type: Deletion.
Coding change: c.886_891del on transcript NM_001135649.3 (MANE Select); coding-DNA positions 886 to 891, 6 bases deleted (AGTACT; older notation c.886_891delAGTACT).
Protein change: p.Ser296_Thr297del.
Genome position (GRCh38, 1-based): chr2:88,448,579-88,448,584, AGTACT deleted on the plus strand (AGTACT on the coding strand, the reverse complement: FOXI3 is on the minus strand). VCF-style (leftmost placement, unchanged base first): chr2-88448578-CAGTACT-C. GRCh37 (hg19) VCF-style: chr2-88748097-CAGTACT-C.
Identifiers: ClinVar variation 3724282 (VCV003724282.2).

ClinVar aggregate classification (germline): Uncertain significance (1 of 4 stars; one submission).

Submission:

Labcorp Genetics (formerly Invitae), Labcorp
Classification: Uncertain significance. Last evaluated: 2024-10-30. Review status: criteria provided, single submitter. Criteria: Invitae Variant Classification Sherloc (09022015). Collection method: clinical testing. Allele origin: germline.
Comment: This variant, c.886_891del, results in the deletion of 2 amino acid(s) of the FOXI3 protein (p.Ser296_Thr297del), but otherwise preserves the integrity of the reading frame. This variant is not present in population databases (gnomAD no frequency). This variant has not been reported in the literature in individuals affected with FOXI3-related conditions. Experimental studies and prediction algorithms are not available or were not evaluated, and the functional significance of this variant is currently unknown. In summary, the available evidence is currently insufficient to determine the role of this variant in disease. Therefore, it has been classified as a Variant of Uncertain Significance.